The following is an entry in ClinVar:

NM_022489.4(INF2):c.2538G>T (p.Lys846Asn)

Gene: INF2 (inverted formin 2; plus strand). Cytogenetic location: 14q32.33.
Variant type: single nucleotide variant.
Coding change: c.2538G>T on transcript NM_022489.4 (MANE Select); coding-DNA position 2538, G replaced by T.
Protein change: p.Lys846Asn; replaces lysine 846 with asparagine.
Molecular consequence: missense variant.
Genome position (GRCh38, 1-based): chr14:104,712,481, G>T. VCF-style: chr14-104712481-G-T. GRCh37 (hg19) VCF-style: chr14-105178818-G-T.
Other names: c.2538G>T, p.Lys846Asn (NM_001031714.4); short protein forms K846N.
Identifiers: ClinVar variation 841673 (VCV000841673.10), dbSNP rs1890101375, ClinGen allele CA391221791.

ClinVar aggregate classification (germline): Uncertain significance (1 of 4 stars; one submission).

Conditions:
Focal segmental glomerulosclerosis 5 (FSGS5). Identifiers: Orphanet 656, MedGen C2750475, MONDO:0013191, OMIM 613237.
Charcot-Marie-Tooth disease dominant intermediate E. Also called: CHARCOT-MARIE-TOOTH NEUROPATHY WITH FOCAL SEGMENTAL GLOMERULONEPHRITIS. Identifiers: Orphanet 93114, MedGen C4302667, MONDO:0013758, OMIM 614455.

Submission:

Labcorp Genetics (formerly Invitae), Labcorp
Classification: Uncertain significance for Charcot-Marie-Tooth disease dominant intermediate E; Focal segmental glomerulosclerosis 5. Last evaluated: 2019-12-20. Review status: criteria provided, single submitter. Criteria: Invitae Variant Classification Sherloc (09022015). Collection method: clinical testing. Allele origin: germline.
Comment: In summary, the available evidence is currently insufficient to determine the role of this variant in disease. Therefore, it has been classified as a Variant of Uncertain Significance. Algorithms developed to predict the effect of missense changes on protein structure and function are either unavailable or do not agree on the potential impact of this missense change (SIFT: "Tolerated"; PolyPhen-2: "Not Available"; Align-GVGD: "Class C0"). This variant has not been reported in the literature in individuals with INF2-related conditions. This variant is not present in population databases (ExAC no frequency). This sequence change replaces lysine with asparagine at codon 846 of the INF2 protein (p.Lys846Asn). The lysine residue is moderately conserved and there is a moderate physicochemical difference between lysine and asparagine.